The following is an entry in ClinVar:

NM_002103.5(GYS1):c.1190A>G (p.Lys397Arg)

Gene: GYS1 (glycogen synthase 1; minus strand). Cytogenetic location: 19q13.33.
Variant type: single nucleotide variant.
Coding change: c.1190A>G on transcript NM_002103.5 (MANE Select); coding-DNA position 1190, A replaced by G.
Protein change: p.Lys397Arg; replaces lysine 397 with arginine.
Molecular consequence: missense variant. On other transcripts: non-coding transcript variant (1).
Genome position (GRCh38, 1-based): chr19:48,978,137, T>C on the plus strand (A>G on the coding strand, the complement: GYS1 is on the minus strand). VCF-style: chr19-48978137-T-C. GRCh37 (hg19) VCF-style: chr19-49481394-T-C.
Other names: c.998A>G, p.Lys333Arg (NM_001161587.2); short protein forms K397R, K333R.
Identifiers: ClinVar variation 641050 (VCV000641050.8), dbSNP rs1600138867, ClinGen allele CA406762373.

ClinVar aggregate classification (germline): Uncertain significance (1 of 4 stars; one submission).

Conditions:
Glycogen storage disease due to muscle and heart glycogen synthase deficiency. Also called: GSD 0b; MUSCLE GLYCOGEN SYNTHASE DEFICIENCY. Identifiers: Orphanet 137625, MedGen C1969054, MONDO:0012693, OMIM 611556.

Allele frequency attached by ClinVar (database versions not stated): gnomAD exomes below 0.00001.
gnomAD v4.1: 1 of 1,614,084 alleles (0.000062%); highest among the groups gnomAD compares: African/African-American, 0.0013%; no homozygotes.

Submission:

Labcorp Genetics (formerly Invitae), Labcorp
Classification: Uncertain significance for Glycogen storage disease due to muscle and heart glycogen synthase deficiency. Last evaluated: 2022-02-03. Review status: criteria provided, single submitter. Criteria: Invitae Variant Classification Sherloc (09022015). Collection method: clinical testing. Allele origin: germline.
Comment: This sequence change replaces lysine, which is basic and polar, with arginine, which is basic and polar, at codon 397 of the GYS1 protein (p.Lys397Arg). This variant is not present in population databases (gnomAD no frequency). This variant has not been reported in the literature in individuals affected with GYS1-related conditions. ClinVar contains an entry for this variant (Variation ID: 641050). Algorithms developed to predict the effect of missense changes on protein structure and function are either unavailable or do not agree on the potential impact of this missense change (SIFT: "Tolerated"; PolyPhen-2: "Probably Damaging"; Align-GVGD: "Class C0"). Algorithms developed to predict the effect of sequence changes on RNA splicing suggest that this variant may create or strengthen a splice site. In summary, the available evidence is currently insufficient to determine the role of this variant in disease. Therefore, it has been classified as a Variant of Uncertain Significance.